The following is an entry in ClinVar:

NM_058216.3(RAD51C):c.404+8A>G

Gene: RAD51C (RAD51 paralog C; plus strand). Cytogenetic location: 17q22.
Variant type: single nucleotide variant.
Coding change: c.404+8A>G on transcript NM_058216.3 (MANE Select); 8 bases into the intron after coding-DNA position 404, A replaced by G.
Molecular consequence: intron variant. On other transcripts: 3 prime UTR variant (1), non-coding transcript variant (1).
Genome position (GRCh38, 1-based): chr17:58,695,197, A>G. VCF-style: chr17-58695197-A-G. GRCh37 (hg19) VCF-style: chr17-56772558-A-G.
Other names: c.*4A>G (NM_002876.4).
Identifiers: ClinVar variation 2890518 (VCV002890518.4), dbSNP rs2509276589, ClinGen allele CA2739268264.

ClinVar aggregate classification (germline): Likely benign. Review status: criteria provided, multiple submitters, no conflicts (2 of 4 stars). 2 submissions from 2 submitters: Likely benign (2). Last evaluated 2025-10-25.

Conditions:
Breast-ovarian cancer, familial, susceptibility to, 3. Also called: RAD51C-Related Breast/Ovarian Cancer. Identifiers: Orphanet 145, MedGen C3150659, MONDO:0013253, OMIM 613399.
Fanconi anemia complementation group O. Also called: RAD51C-Related Fanconi Anemia. Identifiers: Orphanet 84, MedGen C3150653, MONDO:0013248, OMIM 613390.

Submissions (2):

Labcorp Genetics (formerly Invitae), Labcorp
Classification: Likely benign for Fanconi anemia complementation group O. Last evaluated: 2025-10-25. Review status: criteria provided, single submitter. Criteria: Invitae Variant Classification Sherloc (09022015). Collection method: clinical testing. Allele origin: germline.

Myriad Genetics, Inc.
Classification: Likely benign for Breast-ovarian cancer, familial, susceptibility to, 3. Last evaluated: 2025-02-18. Review status: criteria provided, single submitter. Criteria: Myriad Autosomal Dominant, Autosomal Recessive and X-Linked Classification Criteria (2023). Collection method: clinical testing. Allele origin: unknown.
Comment: This variant is considered likely benign. This variant is intronic and is not expected to impact mRNA splicing.